The following is an entry in ClinVar:

ClinVar aggregate classification (germline): Likely benign. Review status: criteria provided, multiple submitters, no conflicts (2 of 4 stars). 2 submissions from 2 submitters: Likely benign (2). Last evaluated 2026-09-01.

gnomAD v4.1: 855 of 1,564,230 alleles (0.055%); highest among the groups gnomAD compares: African/African-American, 1.1%; 6 homozygotes.

Submissions (2):

CeGaT Center for Human Genetics Tuebingen
Classification: Likely benign. Last evaluated: 2026-09-01. Review status: criteria provided, single submitter. Criteria: CeGaT Center For Human Genetics Tuebingen Variant Classification Criteria Version 2. Collection method: clinical testing. Allele origin: germline. Affected: yes. Observed: 1 variant allele.
Comment: LCP2: BP4, BS1

Women's Health and Genetics/Laboratory Corporation of America, LabCorp
Classification: Likely benign. Last evaluated: 2026-03-31. Review status: criteria provided, single submitter. Criteria: LabCorp Variant Classification Summary - May 2015. Collection method: clinical testing. Allele origin: germline.

NM_005565.5(LCP2):c.523+7G>A

Gene: LCP2 (lymphocyte cytosolic protein 2; minus strand). Cytogenetic location: 5q35.1.
Variant type: single nucleotide variant.
Coding change: c.523+7G>A on transcript NM_005565.5 (MANE Select); 7 bases into the intron after coding-DNA position 523, G replaced by A.
Molecular consequence: intron variant.
Genome position (GRCh38, 1-based): chr5:170,270,712, C>T on the plus strand (G>A on the coding strand, the complement: LCP2 is on the minus strand). VCF-style: chr5-170270712-C-T. GRCh37 (hg19) VCF-style: chr5-169697716-C-T.
Identifiers: ClinVar variation 4847640 (VCV004847640.2).